The following is an entry in ClinVar:

ClinVar aggregate classification (germline): Uncertain significance. Review status: criteria provided, multiple submitters, no conflicts (2 of 4 stars). 2 submissions from 2 submitters: Uncertain significance (2). Last evaluated 2024-10-29.

Conditions:
Fanconi anemia complementation group P. Also called: SLX4-Related Fanconi Anemia. Identifiers: Orphanet 84, MedGen C3469542, MONDO:0013499, OMIM 613951.
Fanconi anemia (FA). Also called: Fanconi's anemia. Identifiers: Orphanet 84, MedGen C0015625, MeSH D005199, MONDO:0019391.

Submissions (2):

Labcorp Genetics (formerly Invitae), Labcorp
Classification: Uncertain significance for Fanconi anemia. Last evaluated: 2024-10-29. Review status: criteria provided, single submitter. Criteria: Invitae Variant Classification Sherloc (09022015). Collection method: clinical testing. Allele origin: germline.
Comment: This sequence change replaces alanine, which is neutral and non-polar, with leucine, which is neutral and non-polar, at codon 1750 of the SLX4 protein (p.Ala1750Leu). This variant is present in population databases (no rsID available, gnomAD 0.02%). This variant has not been reported in the literature in individuals affected with SLX4-related conditions. ClinVar contains an entry for this variant (Variation ID: 241695). An algorithm developed to predict the effect of missense changes on protein structure and function (PolyPhen-2) suggests that this variant¬†is likely to be tolerated. In summary, the available evidence is currently insufficient to determine the role of this variant in disease. Therefore, it has been classified as a Variant of Uncertain Significance.

Fulgent Genetics
Classification: Uncertain significance for Fanconi anemia complementation group P. Last evaluated: 2024-06-19. Review status: criteria provided, single submitter. Criteria: ACMG Guidelines, 2015. Collection method: clinical testing. Allele origin: germline.

NM_032444.4(SLX4):c.5248_5249delinsTT (p.Ala1750Leu)

Gene: SLX4 (SLX4 structure-specific endonuclease subunit; minus strand). Cytogenetic location: 16p13.3.
Variant type: Indel.
Coding change: c.5248_5249delinsTT on transcript NM_032444.4 (MANE Select); coding-DNA positions 5248 to 5249, GC replaced by TT.
Protein change: p.Ala1750Leu; replaces alanine 1750 with leucine.
Molecular consequence: missense variant.
Genome position (GRCh38, 1-based): chr16:3,582,598-3,582,599, GC replaced by AA on the plus strand (GC replaced by TT on the coding strand, the reverse complement: SLX4 is on the minus strand). VCF-style: chr16-3582598-GC-AA. GRCh37 (hg19) VCF-style: chr16-3632599-GC-AA.
Other names: c.5248_5249delGCinsTT (LRG_503t1); c.5248_5249delinsTT (NM_032444.2); short protein forms A1750L.
Identifiers: ClinVar variation 241695 (VCV000241695.10), dbSNP rs878855163, ClinGen allele CA10583390.